The following is an entry in ClinVar:

NM_001367561.1(DOCK7):c.5361+6T>C

Gene: DOCK7 (dedicator of cytokinesis 7; minus strand). Cytogenetic location: 1p31.3.
Variant type: single nucleotide variant.
Coding change: c.5361+6T>C on transcript NM_001367561.1 (MANE Select); 6 bases into the intron after coding-DNA position 5361, T replaced by C.
Molecular consequence: intron variant.
Genome position (GRCh38, 1-based): chr1:62,492,698, A>G on the plus strand (T>C on the coding strand, the complement: DOCK7 is on the minus strand). VCF-style: chr1-62492698-A-G. GRCh37 (hg19) VCF-style: chr1-62958369-A-G.
Other names: c.5241+6T>C (NM_001272001.2, NM_001272000.2); c.5268+6T>C (NM_033407.4); c.5334+6T>C (NM_001271999.2, NM_001330614.2).
Identifiers: ClinVar variation 1003735 (VCV001003735.2), dbSNP rs1646501596, ClinGen allele CA1171104274.
Genomic context (GRCh38, chr1:62,492,698, plus strand): 5'-AATACACATGTCATTGATAATTAGAGGTATGAAACTGTGGGAAAAGAATTAACAAGAGTC[A>G]TCTACCATAGAGAAGGAAGCAGCTGCTTGTTCCAGTAATCCCACAAGTCCTGACTCAGTA-3'

ClinVar aggregate classification (germline): Uncertain significance (1 of 4 stars; one submission).

Conditions:
Developmental and epileptic encephalopathy, 23 (DEE23). Also called: Epileptic encephalopathy, early infantile, 23. Identifiers: Orphanet 411986, MedGen C4014492, MONDO:0014371, OMIM 615859.

Submission:

Labcorp Genetics (formerly Invitae), Labcorp
Classification: Uncertain significance for Developmental and epileptic encephalopathy, 23. Last evaluated: 2020-08-25. Review status: criteria provided, single submitter. Criteria: Invitae Variant Classification Sherloc (09022015). Collection method: clinical testing. Allele origin: germline.
Comment: This sequence change falls in intron 41 of the DOCK7 gene. It does not directly change the encoded amino acid sequence of the DOCK7 protein, but it affects a nucleotide within the consensus splice site of the intron. This variant is not present in population databases (ExAC no frequency). This variant has not been reported in the literature in individuals with DOCK7-related conditions. Nucleotide substitutions within the consensus splice site are a relatively common cause of aberrant splicing (PMID: 17576681, 9536098). Algorithms developed to predict the effect of sequence changes on RNA splicing suggest that this variant may disrupt the consensus splice site, but this prediction has not been confirmed by published transcriptional studies. In summary, the available evidence is currently insufficient to determine the role of this variant in disease. Therefore, it has been classified as a Variant of Uncertain Significance.

Literature cited by the submitters: PubMed 17576681; PubMed 9536098.